The following is an entry in ClinVar:

NM_001164508.2(NEB):c.6493G>C (p.Asp2165His)

Gene: NEB (nebulin; minus strand). Cytogenetic location: 2q23.3.
Variant type: single nucleotide variant.
Coding change: c.6493G>C on transcript NM_001164508.2 (MANE Select); coding-DNA position 6493, G replaced by C.
Protein change: p.Asp2165His; replaces aspartic acid 2165 with histidine.
Molecular consequence: missense variant.
Genome position (GRCh38, 1-based): chr2:151,656,155, C>G on the plus strand (G>C on the coding strand, the complement: NEB is on the minus strand). VCF-style: chr2-151656155-C-G. GRCh37 (hg19) VCF-style: chr2-152512669-C-G.
Other names: c.6493G>C, p.Asp2165His (NM_001164507.2, NM_001271208.2, NM_004543.5); short protein forms D2165H.
Identifiers: ClinVar variation 649449 (VCV000649449.8), dbSNP rs1234273631, ClinGen allele CA348798357.

ClinVar aggregate classification (germline): Uncertain significance (1 of 4 stars; one submission).

Conditions:
Nemaline myopathy 2 (NEM2). Also called: Nemaline myopathy 2, autosomal recessive. Identifiers: MedGen C1850569, MONDO:0009725, OMIM 256030.

Submission:

Labcorp Genetics (formerly Invitae), Labcorp
Classification: Uncertain significance for Nemaline myopathy 2. Last evaluated: 2018-11-01. Review status: criteria provided, single submitter. Criteria: Invitae Variant Classification Sherloc (09022015). Collection method: clinical testing. Allele origin: germline.
Comment: This variant has not been reported in the literature in individuals with NEB-related disease. In summary, the available evidence is currently insufficient to determine the role of this variant in disease. Therefore, it has been classified as a Variant of Uncertain Significance. Algorithms developed to predict the effect of missense changes on protein structure and function are either unavailable or do not agree on the potential impact of this missense change (SIFT: "Deleterious"; PolyPhen-2: "Not Available"; Align-GVGD: "Class C0"). This variant is not present in population databases (ExAC no frequency). This sequence change replaces aspartic acid with histidine at codon 2165 of the NEB protein (p.Asp2165His). The aspartic acid residue is moderately conserved and there is a moderate physicochemical difference between aspartic acid and histidine.